The following is an entry in ClinVar:

NM_017654.4(SAMD9):c.4747G>T (p.Ala1583Ser)

Gene: SAMD9 (sterile alpha motif domain containing 9; minus strand). Cytogenetic location: 7q21.2.
Variant type: single nucleotide variant.
Coding change: c.4747G>T on transcript NM_017654.4 (MANE Select); coding-DNA position 4747, G replaced by T.
Protein change: p.Ala1583Ser; replaces alanine 1583 with serine.
Molecular consequence: missense variant.
Genome position (GRCh38, 1-based): chr7:93,101,351, C>A on the plus strand (G>T on the coding strand, the complement: SAMD9 is on the minus strand). VCF-style: chr7-93101351-C-A. GRCh37 (hg19) VCF-style: chr7-92730664-C-A.
Other names: c.4747G>T, p.Ala1583Ser (NM_001193307.2); short protein forms A1583S.
Identifiers: ClinVar variation 3363267 (VCV003363267.1).

ClinVar aggregate classification (germline): Uncertain significance (1 of 4 stars; one submission).

Submission:

GeneDx
Classification: Uncertain significance. Last evaluated: 2023-10-20. Review status: criteria provided, single submitter. Criteria: GeneDx Variant Classification Process June 2021. Collection method: clinical testing. Allele origin: germline. Affected: yes.
Comment: Has not been previously published as pathogenic or benign to our knowledge; Not observed at significant frequency in large population cohorts (gnomAD); In silico analysis supports that this missense variant does not alter protein structure/function